The following is an entry in ClinVar:

NM_001371596.2(MFSD8):c.466A>T (p.Thr156Ser)

Gene: MFSD8 (major facilitator superfamily domain containing 8; minus strand). Cytogenetic location: 4q28.2.
Variant type: single nucleotide variant.
Coding change: c.466A>T on transcript NM_001371596.2 (MANE Select); coding-DNA position 466, A replaced by T.
Protein change: p.Thr156Ser; replaces threonine 156 with serine.
Molecular consequence: missense variant. On other transcripts: intron variant (4).
Genome position (GRCh38, 1-based): chr4:127,942,132, T>A on the plus strand (A>T on the coding strand, the complement: MFSD8 is on the minus strand). VCF-style: chr4-127942132-T-A. GRCh37 (hg19) VCF-style: chr4-128863287-T-A.
Other names: c.466A>T, p.Thr156Ser (NM_001363520.3, NM_001371591.2, NM_001371592.2 and 2 more transcripts); c.331A>T, p.Thr111Ser (NM_001371590.2, NM_001371595.1); c.304+1620A>T (NM_001410765.1); c.439+1620A>T (NM_001363521.3, NM_001410766.1, NM_001371593.2); short protein forms T111S, T156S.
Identifiers: ClinVar variation 3721177 (VCV003721177.2).

ClinVar aggregate classification (germline): Uncertain significance (1 of 4 stars; one submission).

Conditions:
Neuronal ceroid lipofuscinosis 7 (CLN7). Also called: MFSD8-Related Neuronal Ceroid-Lipofuscinosis. Identifiers: Orphanet 168491, Orphanet 228366, MedGen C1838571, MONDO:0012588, OMIM 610951.

Submission:

Labcorp Genetics (formerly Invitae), Labcorp
Classification: Uncertain significance for Neuronal ceroid lipofuscinosis 7. Last evaluated: 2024-09-12. Review status: criteria provided, single submitter. Criteria: Invitae Variant Classification Sherloc (09022015). Collection method: clinical testing. Allele origin: germline.
Comment: This sequence change replaces threonine, which is neutral and polar, with serine, which is neutral and polar, at codon 156 of the MFSD8 protein (p.Thr156Ser). This variant is not present in population databases (gnomAD no frequency). This variant has not been reported in the literature in individuals affected with MFSD8-related conditions. Invitae Evidence Modeling of protein sequence and biophysical properties (such as structural, functional, and spatial information, amino acid conservation, physicochemical variation, residue mobility, and thermodynamic stability) indicates that this missense variant is not expected to disrupt MFSD8 protein function with a negative predictive value of 80%. In summary, the available evidence is currently insufficient to determine the role of this variant in disease. Therefore, it has been classified as a Variant of Uncertain Significance.